The following is an entry in ClinVar:

ClinVar aggregate classification (germline): Uncertain significance (1 of 4 stars; one submission).

Allele frequency attached by ClinVar (database versions not stated): gnomAD exomes below 0.00001; gnomAD 0.00001; 1000 Genomes Project 30x 0.00016; 1000 Genomes Project 0.00020.
gnomAD v4.1: 2 of 1,613,922 alleles (0.00012%); highest among the groups gnomAD compares: Admixed American, 0.0017%; no homozygotes.

Submission:

Women's Health and Genetics/Laboratory Corporation of America, LabCorp
Classification: Uncertain significance. Last evaluated: 2023-12-21. Review status: criteria provided, single submitter. Criteria: LabCorp Variant Classification Summary - May 2015. Collection method: clinical testing. Allele origin: germline.
Comment: Variant summary: RFX7 c.2176A>G (p.Ile726Val) results in a conservative amino acid change in the encoded protein sequence. Five of five in-silico tools predict a benign effect of the variant on protein function. The variant allele was found at a frequency of 4e-06 in 249074 control chromosomes. The available data on variant occurrences in the general population are insufficient to allow any conclusion about variant significance. To our knowledge, no occurrence of c.2176A>G in individuals affected with Intellectual Developmental Disorder, Autosomal Dominant 71, With Behavioral Abnormalities and no experimental evidence demonstrating its impact on protein function have been reported. No submitters have cited clinical-significance assessments for this variant to ClinVar after 2014. Based on the evidence outlined above, the variant was classified as uncertain significance.

NM_022841.7(RFX7):c.2176A>G (p.Ile726Val)

Gene: RFX7 (regulatory factor X7; minus strand). Cytogenetic location: 15q21.3.
Variant type: single nucleotide variant.
Coding change: c.2176A>G on transcript NM_022841.7 (MANE Select); coding-DNA position 2176, A replaced by G.
Protein change: p.Ile726Val; replaces isoleucine 726 with valine.
Molecular consequence: missense variant.
Genome position (GRCh38, 1-based): chr15:56,095,552, T>C on the plus strand (A>G on the coding strand, the complement: RFX7 is on the minus strand). VCF-style: chr15-56095552-T-C. GRCh37 (hg19) VCF-style: chr15-56387750-T-C.
Other names: c.1885A>G, p.Ile629Val (NM_001368073.2, NM_001368074.1, NM_001370554.1); c.2176A>G, p.Ile726Val (NM_001370561.1); short protein forms I629V, I726V.
Identifiers: ClinVar variation 2691374 (VCV002691374.1), dbSNP rs540337406, ClinGen allele CA270879556.